The following is an entry in ClinVar:

NM_201253.3(CRB1):c.3850A>G (p.Met1284Val)

Gene: CRB1 (crumbs cell polarity complex component 1; plus strand). Cytogenetic location: 1q31.3.
Variant type: single nucleotide variant.
Coding change: c.3850A>G on transcript NM_201253.3 (MANE Select); coding-DNA position 3850, A replaced by G.
Protein change: p.Met1284Val; replaces methionine 1284 with valine.
Molecular consequence: missense variant. On other transcripts: non-coding transcript variant (2).
Genome position (GRCh38, 1-based): chr1:197,438,647, A>G. VCF-style: chr1-197438647-A-G. GRCh37 (hg19) VCF-style: chr1-197407777-A-G.
Other names: c.3514A>G, p.Met1172Val (NM_001193640.2); c.3778A>G, p.Met1260Val (NM_001257965.2); c.2242A>G, p.Met748Val (NM_001257966.2); c.3850A>G (NM_201253.2); short protein forms M1172V, M1260V, M1284V, M748V.
Identifiers: ClinVar variation 1361374 (VCV001361374.5), dbSNP rs766592082, ClinGen allele CA1312412.

ClinVar aggregate classification (germline): Uncertain significance. Review status: criteria provided, multiple submitters, no conflicts (2 of 4 stars). 3 submissions from 3 submitters: Uncertain significance (3). Last evaluated 2026-06-23.

Conditions:
Inborn genetic diseases. Identifiers: MedGen C0950123, MeSH D030342.
Retinitis pigmentosa 12 (RP12). Also called: RP WITH OR WITHOUT PRESERVED PARAARTERIOLE RETINAL PIGMENT EPITHELIUM; RETINITIS PIGMENTOSA WITH OR WITHOUT PARAARTERIOLAR PRESERVATION OF RETINAL PIGMENT EPITHELIUM; RP WITH OR WITHOUT PPRPE. Identifiers: Orphanet 791, MedGen C1838647, MONDO:0010818, OMIM 600105.
Leber congenital amaurosis 8 (LCA8). Identifiers: Orphanet 65, MedGen C3151202, MONDO:0013453, OMIM 613835.

Allele frequency attached by ClinVar (database versions not stated): gnomAD exomes 0.00001 and 0.00004; TOPMed 0.00002; ExAC 0.00003; gnomAD 0.00002.

Submissions (3):

Ambry Genetics
Classification: Uncertain significance for Inborn genetic diseases. Last evaluated: 2026-06-23. Review status: criteria provided, single submitter. Criteria: Ambry Variant Classification Scheme 2023. Collection method: clinical testing. Allele origin: germline.

Blueprint Genetics
Classification: Uncertain significance. Last evaluated: 2024-09-10. Review status: criteria provided, single submitter. Criteria: ACMG Guidelines, 2015. Collection method: clinical testing. Allele origin: germline.

Labcorp Genetics (formerly Invitae), Labcorp
Classification: Uncertain significance for Leber congenital amaurosis 8; Retinitis pigmentosa 12. Last evaluated: 2022-08-08. Review status: criteria provided, single submitter. Criteria: Invitae Variant Classification Sherloc (09022015). Collection method: clinical testing. Allele origin: germline.
Comment: This sequence change replaces methionine, which is neutral and non-polar, with valine, which is neutral and non-polar, at codon 1284 of the CRB1 protein (p.Met1284Val). This variant is present in population databases (rs766592082, gnomAD 0.02%). This variant has not been reported in the literature in individuals affected with CRB1-related conditions. ClinVar contains an entry for this variant (Variation ID: 1361374). Advanced modeling of protein sequence and biophysical properties (such as structural, functional, and spatial information, amino acid conservation, physicochemical variation, residue mobility, and thermodynamic stability) performed at Invitae indicates that this missense variant is not expected to disrupt CRB1 protein function. Algorithms developed to predict the effect of sequence changes on RNA splicing suggest that this variant may create or strengthen a splice site. In summary, the available evidence is currently insufficient to determine the role of this variant in disease. Therefore, it has been classified as a Variant of Uncertain Significance.